The following is an entry in ClinVar:

NM_018943.3(TUBA8):c.851A>G (p.Glu284Gly)

Gene: TUBA8 (tubulin alpha 8; plus strand). Cytogenetic location: 22q11.21.
Variant type: single nucleotide variant.
Coding change: c.851A>G on transcript NM_018943.3 (MANE Select); coding-DNA position 851, A replaced by G.
Protein change: p.Glu284Gly; replaces glutamic acid 284 with glycine.
Molecular consequence: missense variant.
Genome position (GRCh38, 1-based): chr22:18,126,829, A>G. VCF-style: chr22-18126829-A-G. GRCh37 (hg19) VCF-style: chr22-18609596-A-G.
Other names: c.653A>G, p.Glu218Gly (NM_001193414.2); short protein forms E218G, E284G.
Identifiers: ClinVar variation 4741982 (VCV004741982.1).

ClinVar aggregate classification (germline): Uncertain significance (1 of 4 stars; one submission).

Submission:

Labcorp Genetics (formerly Invitae), Labcorp
Classification: Uncertain significance. Last evaluated: 2025-11-12. Review status: criteria provided, single submitter. Criteria: Invitae Variant Classification Sherloc (09022015). Collection method: clinical testing. Allele origin: germline.
Comment: This sequence change replaces glutamic acid, which is acidic and polar, with glycine, which is neutral and non-polar, at codon 284 of the TUBA8 protein (p.Glu284Gly). This variant is not present in population databases (gnomAD no frequency). This variant has not been reported in the literature in individuals affected with TUBA8-related conditions. Invitae Evidence Modeling of protein sequence and biophysical properties (such as structural, functional, and spatial information, amino acid conservation, physicochemical variation, residue mobility, and thermodynamic stability) indicates that this missense variant is expected to disrupt TUBA8 protein function with a positive predictive value of 80%. In summary, the available evidence is currently insufficient to determine the role of this variant in disease. Therefore, it has been classified as a Variant of Uncertain Significance.